The following is an entry in ClinVar:

ClinVar aggregate classification (germline): Conflicting classifications of pathogenicity. Review status: criteria provided, conflicting classifications (1 of 4 stars). 4 submissions from 4 submitters: Uncertain significance (2); Likely benign (2). Last evaluated 2026-04-10.

Conditions:
MACF1-related disorder. Also called: MACF1-related condition.

Submissions (4):

GeneDx
Classification: Uncertain significance. Last evaluated: 2026-04-10. Review status: criteria provided, single submitter. Criteria: GeneDx Variant Classification Process June 2021. Collection method: clinical testing. Allele origin: germline.
Comment: In-frame duplication of 6 amino acid(s) in a non-repeat region; Has not been previously published as pathogenic or benign to our knowledge

Labcorp Genetics (formerly Invitae), Labcorp
Classification: Uncertain significance. Last evaluated: 2025-11-17. Review status: criteria provided, single submitter. Criteria: Invitae Variant Classification Sherloc (09022015). Collection method: clinical testing. Allele origin: germline.
Comment: This variant, c.54_71dup, results in the insertion of 6 amino acid(s) of the MACF1 protein (p.Cys20_Ser25dup), but otherwise preserves the integrity of the reading frame. This variant is present in population databases (rs758220322, gnomAD 0.05%), and has an allele count higher than expected for a pathogenic variant. This variant has not been reported in the literature in individuals affected with MACF1-related conditions. ClinVar contains an entry for this variant (Variation ID: 2186705). In summary, the available evidence is currently insufficient to determine the role of this variant in disease. Therefore, it has been classified as a Variant of Uncertain Significance.

PreventionGenetics, part of Exact Sciences
Classification: Likely benign for MACF1-related condition. Last evaluated: 2025-06-19. Review status: criteria provided, single submitter. Criteria: ACMG Guidelines, 2015. Collection method: clinical testing. Allele origin: germline.
Comment: This variant is classified as likely benign based on ACMG/AMP sequence variant interpretation guidelines (Richards et al. 2015 PMID: 25741868, with internal and published modifications).

Blueprint Genetics
Classification: Likely benign. Last evaluated: 2024-09-18. Review status: criteria provided, single submitter. Criteria: ACMG Guidelines, 2015. Collection method: clinical testing. Allele origin: germline.

NM_012090.5(MACF1):c.54_71dup (p.Ser25_Tyr26insCysArgSerGluArgSer)

Gene: MACF1 (microtubule actin crosslinking factor 1; plus strand). Cytogenetic location: 1p34.3.
Variant type: Duplication.
Coding change: c.54_71dup on transcript NM_012090.5; coding-DNA positions 54 to 71, 18 bases duplicated (GTCTTGTCGGAGTGAGCG).
Protein change: p.Ser25_Tyr26insCysArgSerGluArgSer.
Molecular consequence: inframe insertion.
Genome position (GRCh38, 1-based): chr1:39,084,272-39,084,289, GTCTTGTCGGAGTGAGCG duplicated; duplicating any 18 consecutive bases within chr1:39,084,258-39,084,289 gives the same sequence; the c. name uses the placement nearest the transcript's 3' end. VCF-style (leftmost placement, unchanged base first): chr1-39084257-A-ATGTCGGAGTGAGCGGTCT. GRCh37 (hg19) VCF-style: chr1-39549929-A-ATGTCGGAGTGAGCGGTCT.
Other names: c.54_71dup18 (NM_012090.5).
Identifiers: ClinVar variation 2186705 (VCV002186705.6), dbSNP rs376408478, ClinGen allele CA778992.